The following is an entry in ClinVar:

ClinVar aggregate classification (germline): Uncertain significance (1 of 4 stars; one submission).

Conditions:
Familial thoracic aortic aneurysm and aortic dissection (TAAD). Also called: Thoracic aortic aneurysms and dissections. Identifiers: Orphanet 91387, MedGen C4707243, MONDO:0019625.

Submission:

Color Diagnostics, LLC DBA Color Health
Classification: Uncertain significance for Familial thoracic aortic aneurysm and aortic dissection. Last evaluated: 2024-03-06. Review status: criteria provided, single submitter. Criteria: ACMG Guidelines, 2015. Collection method: clinical testing. Allele origin: germline.
Comment: This missense variant replaces glutamic acid with alanine at codon 787 of the MYH11 protein. Computational prediction suggests that this variant may have deleterious impact on protein structure and function (internally defined REVEL score threshold >= 0.7, PMID: 27666373). Splice site prediction tools suggest that this variant may not impact RNA splicing. To our knowledge, functional studies have not been performed for this variant. This variant has not been reported in individuals affected with cardiovascular disorders in the literature. This variant has not been identified in the general population by the Genome Aggregation Database (gnomAD). The available evidence is insufficient to determine the role of this variant in disease conclusively. Therefore, this variant is classified as a Variant of Uncertain Significance.

NM_002474.3(MYH11):c.2339A>C (p.Glu780Ala)

Gene: MYH11 (myosin heavy chain 11; minus strand). Cytogenetic location: 16p13.11.
Variant type: single nucleotide variant.
Coding change: c.2339A>C on transcript NM_002474.3 (MANE Select); coding-DNA position 2339, A replaced by C.
Protein change: p.Glu780Ala; replaces glutamic acid 780 with alanine.
Molecular consequence: missense variant.
Genome position (GRCh38, 1-based): chr16:15,747,642, T>G on the plus strand (A>C on the coding strand, the complement: MYH11 is on the minus strand). VCF-style: chr16-15747642-T-G. GRCh37 (hg19) VCF-style: chr16-15841499-T-G.
Other names: c.2360A>C, p.Glu787Ala (NM_001040113.2, NM_001040114.2); c.2339A>C, p.Glu780Ala (NM_022844.3); short protein forms E780A, E787A.
Identifiers: ClinVar variation 925253 (VCV000925253.4), dbSNP rs2041454597, ClinGen allele CA394867346.
Genomic context (GRCh38, chr16:15,747,642, plus strand): 5'-TAGCCACGACACATCGCCTGGAAGGCCATGATGACATCGGTGATCTTCAAATCTCGCTCC[T>G]CCTCTAGGTGGGCCAGGACGCCAGTTCGGAAGAAGATTTTGCTCTGCCCTATCCTGTATA-3'
Protein context (NP_002465.1, residues 770-790): FRTGVLAHLE[Glu780Ala]ERDLKITDVI